The following is an entry in ClinVar:

NM_006005.3(WFS1):c.83A>G (p.Asn28Ser)

Gene: WFS1 (wolframin ER transmembrane glycoprotein; plus strand). Cytogenetic location: 4p16.1.
Variant type: single nucleotide variant.
Coding change: c.83A>G on transcript NM_006005.3 (MANE Select); coding-DNA position 83, A replaced by G.
Protein change: p.Asn28Ser; replaces asparagine 28 with serine.
Molecular consequence: missense variant.
Genome position (GRCh38, 1-based): chr4:6,277,538, A>G. VCF-style: chr4-6277538-A-G. GRCh37 (hg19) VCF-style: chr4-6279265-A-G.
Other names: c.83A>G, p.Asn28Ser (NM_001145853.1); short protein forms N28S.
Identifiers: ClinVar variation 45461 (VCV000045461.12), dbSNP rs397517198, ClinGen allele CA136361.

ClinVar aggregate classification (germline): Uncertain significance/Uncertain risk allele. Review status: criteria provided, multiple submitters, no conflicts (2 of 4 stars). 5 submissions from 5 submitters: Uncertain significance (4); Uncertain risk allele (1). Last evaluated 2025-05-01.

Conditions:
Wolfram syndrome 1 (WFS1). Identifiers: Orphanet 3463, MedGen C4551693, MONDO:0009101, OMIM 222300.

Allele frequency attached by ClinVar (database versions not stated): gnomAD 0.00001; gnomAD exomes 0.00001; TOPMed 0.00002.
gnomAD v4.1: 12 of 1,589,318 alleles (0.00076%); highest among the groups gnomAD compares: Non-Finnish European, 0.001%; no homozygotes.

Submissions (5):

GeneDx
Classification: Uncertain significance. Last evaluated: 2025-05-01. Review status: criteria provided, single submitter. Criteria: GeneDx Variant Classification Process June 2021. Collection method: clinical testing. Allele origin: germline. Affected: yes.
Comment: Not observed at significant frequency in large population cohorts (gnomAD); In silico analysis suggests that this missense variant does not alter protein structure/function; Has not been previously published as pathogenic or benign to our knowledge

Labcorp Genetics (formerly Invitae), Labcorp
Classification: Uncertain significance. Last evaluated: 2025-03-03. Review status: criteria provided, single submitter. Criteria: Invitae Variant Classification Sherloc (09022015). Collection method: clinical testing. Allele origin: germline.
Comment: This sequence change replaces asparagine, which is neutral and polar, with serine, which is neutral and polar, at codon 28 of the WFS1 protein (p.Asn28Ser). This variant is not present in population databases (gnomAD no frequency). This variant has not been reported in the literature in individuals affected with WFS1-related conditions. ClinVar contains an entry for this variant (Variation ID: 45461). Invitae Evidence Modeling of protein sequence and biophysical properties (such as structural, functional, and spatial information, amino acid conservation, physicochemical variation, residue mobility, and thermodynamic stability) indicates that this missense variant is not expected to disrupt WFS1 protein function with a negative predictive value of 95%. In summary, the available evidence is currently insufficient to determine the role of this variant in disease. Therefore, it has been classified as a Variant of Uncertain Significance.

Blueprint Genetics
Classification: Uncertain significance. Last evaluated: 2024-05-02. Review status: criteria provided, single submitter. Criteria: ACMG Guidelines, 2015. Collection method: clinical testing. Allele origin: germline.

Laboratory for Molecular Medicine, Mass General Brigham Personalized Medicine
Classification: Uncertain significance. Last evaluated: 2013-02-22. Review status: criteria provided, single submitter. Criteria: LMM Criteria. Collection method: clinical testing. Allele origin: germline. Observed: 1 variant allele.
Comment: The Asn28Ser variant in WFS1 has not been reported in the literature nor previou sly identified by our laboratory. Computational analyses (biochemical amino acid properties, conservation, AlignGVGD, PolyPhen2, and SIFT) do not provide strong support for or against an impact to the protein. In summary, additional data is needed to determine the clinical significance of this variant.

Clinical Genomics, Uppaluri K&H Personalized Medicine Clinic
Classification: Uncertain risk allele for Wolfram syndrome 1. Review status: criteria provided, single submitter. Criteria: K & H Uppaluri Personalized Medicine Clinic Variant Classification & Assertion Criteria_Updated V.1. Collection method: research. Allele origin: unknown. Inheritance: Autosomal recessive inheritance.
Comment: Potent mutations in WFS1 gene are associated with Wolfram's syndrome, an autosomal recessive condition, which cause diabetes mellitus, diabetes insipidus, deafness and optic atrophy. However no sufficient evidence is found to ascertain the role of this particular variant rs397517198 in Wolfram's syndrome yet.

Literature cited by the submitters: PubMed 20738327 (cited by Clinical Genomics, Uppaluri K&H Personalized Medicine Clinic); PubMed 33879153 (cited by Clinical Genomics, Uppaluri K&H Personalized Medicine Clinic); PubMed 12955714 (cited by Clinical Genomics, Uppaluri K&H Personalized Medicine Clinic); PubMed 18060660 (cited by Clinical Genomics, Uppaluri K&H Personalized Medicine Clinic); PubMed 20301750 (cited by Clinical Genomics, Uppaluri K&H Personalized Medicine Clinic); PubMed 17603484 (cited by Clinical Genomics, Uppaluri K&H Personalized Medicine Clinic).